The following is an entry in ClinVar:

ClinVar aggregate classification (germline): Likely benign (1 of 4 stars; one submission).

Conditions:
Leigh syndrome (NULS). Also called: Leigh's necrotizing encephalopathy; Leigh's disease; Leigh's syndrome; LEIGH SYNDROME, NUCLEAR; Leigh Syndrome (mtDNA deletion); Leigh Disease. Identifiers: Orphanet 506, MedGen C2931891, MONDO:0009723, OMIM 256000.

Submission:

Wong Mito Lab, Molecular and Human Genetics, Baylor College of Medicine
Classification: Likely benign for Leigh syndrome. Last evaluated: 2019-10-17. Review status: criteria provided, single submitter. Criteria: Modified ACMG Guidelines (Unpublished). Collection method: clinical testing. Allele origin: germline.
Comment: The NC_012920.1:m.15212A>G (YP_003024038.1:p.Ile156Val) variant in MTCYB gene is interpretated to be a Likely Benign variant based on the modified ACMG guidelines (unpublished). This variant meets the following evidence codes: BS1, BP6

NC_012920.1(MT-CYB):m.15212A>G

Gene: MT-CYB (mitochondrially encoded cytochrome b; plus strand).
Variant type: single nucleotide variant.
Genome position: chrM-15212-A-G.
Identifiers: ClinVar variation 693841 (VCV000693841.1), dbSNP rs1603225150, ClinGen allele CA913173255.